The following is an entry in ClinVar:

ClinVar aggregate classification (germline): Uncertain significance. Review status: criteria provided, multiple submitters, no conflicts (2 of 4 stars). 2 submissions from 2 submitters: Uncertain significance (2). Last evaluated 2024-09-24.

Conditions:
Inborn genetic diseases. Identifiers: MedGen C0950123, MeSH D030342.
Hereditary spastic paraplegia 49 (HSAN9). Also called: TECPR2-Related Hereditary Sensory and Autonomic Neuropathy with Intellectual Disability; NEUROPATHY, HEREDITARY SENSORY AND AUTONOMIC, TYPE IX, WITH DEVELOPMENTAL DELAY; Spastic paraplegia 49, autosomal recessive. Identifiers: Orphanet 320385, MedGen C5190860, MONDO:0014016, OMIM 615031.

Allele frequency attached by ClinVar (database versions not stated): gnomAD 0.00001; TOPMed 0.00001; gnomAD exomes 0.00004; ExAC 0.00005; ESP Exome Variant Server 0.00008.
gnomAD v4.1: 64 of 1,613,704 alleles (0.004%); highest among the groups gnomAD compares: Admixed American, 0.0067%; no homozygotes.

Submissions (2):

Ambry Genetics
Classification: Uncertain significance for Inborn genetic diseases. Last evaluated: 2024-09-24. Review status: criteria provided, single submitter. Criteria: Ambry Variant Classification Scheme 2023. Collection method: clinical testing. Allele origin: germline.

Labcorp Genetics (formerly Invitae), Labcorp
Classification: Uncertain significance for Hereditary spastic paraplegia 49. Last evaluated: 2021-08-27. Review status: criteria provided, single submitter. Criteria: Invitae Variant Classification Sherloc (09022015). Collection method: clinical testing. Allele origin: germline.
Comment: This sequence change replaces valine with leucine at codon 701 of the TECPR2 protein (p.Val701Leu). The valine residue is weakly conserved and there is a small physicochemical difference between valine and leucine. This variant is present in population databases (rs375056202, ExAC 0.009%). This variant has not been reported in the literature in individuals affected with TECPR2-related conditions. Algorithms developed to predict the effect of missense changes on protein structure and function output the following: SIFT: "Tolerated"; PolyPhen-2: "Benign"; Align-GVGD: "Class C0". The leucine amino acid residue is found in multiple mammalian species, which suggests that this missense change does not adversely affect protein function. In summary, the available evidence is currently insufficient to determine the role of this variant in disease. Therefore, it has been classified as a Variant of Uncertain Significance.

NM_014844.5(TECPR2):c.2101G>C (p.Val701Leu)

Gene: TECPR2 (tectonin beta-propeller repeat containing 2; plus strand). Cytogenetic location: 14q32.31.
Variant type: single nucleotide variant.
Coding change: c.2101G>C on transcript NM_014844.5 (MANE Select); coding-DNA position 2101, G replaced by C.
Protein change: p.Val701Leu; replaces valine 701 with leucine.
Molecular consequence: missense variant.
Genome position (GRCh38, 1-based): chr14:102,434,918, G>C. VCF-style: chr14-102434918-G-C. GRCh37 (hg19) VCF-style: chr14-102901255-G-C.
Other names: c.2101G>C (NM_014844.3); c.2101G>C, p.Val701Leu (NM_001172631.3); short protein forms V701L.
Identifiers: ClinVar variation 2068005 (VCV002068005.2), dbSNP rs375056202, ClinGen allele CA7357847.